The following is an entry in ClinVar:

ClinVar aggregate classification (germline): Uncertain significance (1 of 4 stars; one submission).

Submission:

Mayo Clinic Laboratories, Mayo Clinic
Classification: Uncertain significance. Last evaluated: 2025-10-02. Review status: criteria provided, single submitter. Criteria: ACMG Guidelines, 2015. Collection method: clinical testing. Allele origin: germline. Observed: 1 variant allele.
Comment: PP3_moderate, PM2_supporting

NM_000321.3(RB1):c.2647G>C (p.Asp883His)

Gene: RB1 (RB transcriptional corepressor 1; plus strand). Cytogenetic location: 13q14.2.
Variant type: single nucleotide variant.
Coding change: c.2647G>C on transcript NM_000321.3 (MANE Select); coding-DNA position 2647, G replaced by C.
Protein change: p.Asp883His; replaces aspartic acid 883 with histidine.
Molecular consequence: missense variant.
Genome position (GRCh38, 1-based): chr13:48,476,827, G>C. VCF-style: chr13-48476827-G-C. GRCh37 (hg19) VCF-style: chr13-49050963-G-C.
Other names: p.Asp883His; c.2647G>C, p.Asp883His (NM_001407165.1); c.97G>C, p.Asp33His (NM_001407168.1); short protein forms D33H, D883H.
Identifiers: ClinVar variation 4541778 (VCV004541778.1).
Genomic context (GRCh38, chr13:48,476,827, plus strand): 5'-GCTGAAGGAAGCAACCCTCCTAAACCACTGAAAAAACTACGCTTTGATATTGAAGGATCA[G>C]ATGAAGCAGATGGAAGGTAGGAACCAGTTTTGAATGTTTTCCAGTAGCCGAGATGGTCAT-3'
Protein context (NP_000312.2, residues 873-893): KKLRFDIEGS[Asp883His]EADGSKHLPG